The following is an entry in ClinVar:

ClinVar aggregate classification (germline): Uncertain significance (1 of 4 stars; one submission).

Conditions:
Desmin-related myofibrillar myopathy (MFM1). Also called: Desminopathy; Desmin related myopathy (former name); Desmin storage myopathy (former name); MYOFIBRILLAR MYOPATHY WITH ARRHYTHMOGENIC RIGHT VENTRICULAR CARDIOMYOPATHY; Myofibrillar myopathy 1; DESMIN-RELATED MYOPATHY WITH ARRHYTHMOGENIC RIGHT VENTRICULAR CARDIOMYOPATHY. Identifiers: Orphanet 363543, Orphanet 98909, MedGen C1832370, MONDO:0011076, OMIM 601419.

Submission:

Labcorp Genetics (formerly Invitae), Labcorp
Classification: Uncertain significance for Desmin-related myofibrillar myopathy. Last evaluated: 2025-10-01. Review status: criteria provided, single submitter. Criteria: Invitae Variant Classification Sherloc (09022015). Collection method: clinical testing. Allele origin: germline.
Comment: This sequence change replaces valine, which is neutral and non-polar, with leucine, which is neutral and non-polar, at codon 56 of the DES protein (p.Val56Leu). This variant is not present in population databases (gnomAD no frequency). This variant has not been reported in the literature in individuals affected with DES-related conditions. ClinVar contains an entry for this variant (Variation ID: 2202237). Invitae Evidence Modeling of protein sequence and biophysical properties (such as structural, functional, and spatial information, amino acid conservation, physicochemical variation, residue mobility, and thermodynamic stability) indicates that this missense variant is not expected to disrupt DES protein function with a negative predictive value of 80%. In summary, the available evidence is currently insufficient to determine the role of this variant in disease. Therefore, it has been classified as a Variant of Uncertain Significance.

NM_001927.4(DES):c.166G>T (p.Val56Leu)

Gene: DES (desmin; plus strand). Cytogenetic location: 2q35.
Variant type: single nucleotide variant.
Coding change: c.166G>T on transcript NM_001927.4 (MANE Select); coding-DNA position 166, G replaced by T.
Protein change: p.Val56Leu; replaces valine 56 with leucine.
Molecular consequence: missense variant.
Genome position (GRCh38, 1-based): chr2:219,418,628, G>T. VCF-style: chr2-219418628-G-T. GRCh37 (hg19) VCF-style: chr2-220283350-G-T.
Other names: c.166G>T, p.Val56Leu (NM_001382708.1, NM_001382709.1, NM_001382710.1 and 3 more transcripts); short protein forms V56L.
Identifiers: ClinVar variation 2202237 (VCV002202237.4), dbSNP rs578066781, ClinGen allele CA350683533.